The following is an entry in ClinVar:

ClinVar aggregate classification (germline): Uncertain significance. Review status: criteria provided, multiple submitters, no conflicts (2 of 4 stars). 2 submissions from 2 submitters: Uncertain significance (2). Last evaluated 2026-07-01.

Conditions:
Inborn genetic diseases. Identifiers: MedGen C0950123, MeSH D030342.

Allele frequency attached by ClinVar (database versions not stated): gnomAD exomes 0.00001; ExAC 0.00004; TOPMed below 0.00001; gnomAD 0.00001.
gnomAD v4.1: 20 of 1,610,058 alleles (0.0012%); highest among the groups gnomAD compares: Non-Finnish European, 0.0016%; no homozygotes.

Submissions (2):

Ambry Genetics
Classification: Uncertain significance for Inborn genetic diseases. Last evaluated: 2026-07-01. Review status: criteria provided, single submitter. Criteria: Ambry Variant Classification Scheme 2023. Collection method: clinical testing. Allele origin: germline.
Comment: The p.F234L variant (also known as c.700T>C), located in coding exon 5 of the FGFR3 gene, results from a T to C substitution at nucleotide position 700. The phenylalanine at codon 234 is replaced by leucine, an amino acid with highly similar properties. This amino acid position is conserved. In addition, this alteration is predicted to be tolerated by in silico analysis. Based on the available evidence, the clinical significance of this variant remains unclear.

Labcorp Genetics (formerly Invitae), Labcorp
Classification: Uncertain significance. Last evaluated: 2023-12-10. Review status: criteria provided, single submitter. Criteria: Invitae Variant Classification Sherloc (09022015). Collection method: clinical testing. Allele origin: germline.
Comment: This sequence change replaces phenylalanine, which is neutral and non-polar, with leucine, which is neutral and non-polar, at codon 234 of the FGFR3 protein (p.Phe234Leu). The frequency data for this variant in the population databases is considered unreliable, as metrics indicate poor data quality at this position in the gnomAD database. This variant has not been reported in the literature in individuals affected with FGFR3-related conditions. Advanced modeling of protein sequence and biophysical properties (such as structural, functional, and spatial information, amino acid conservation, physicochemical variation, residue mobility, and thermodynamic stability) performed at Invitae indicates that this missense variant is not expected to disrupt FGFR3 protein function with a negative predictive value of 95%. In summary, the available evidence is currently insufficient to determine the role of this variant in disease. Therefore, it has been classified as a Variant of Uncertain Significance.

NM_000142.5(FGFR3):c.700T>C (p.Phe234Leu)

Gene: FGFR3 (fibroblast growth factor receptor 3; plus strand). Cytogenetic location: 4p16.3.
Variant type: single nucleotide variant.
Coding change: c.700T>C on transcript NM_000142.5 (MANE Select); coding-DNA position 700, T replaced by C.
Protein change: p.Phe234Leu; replaces phenylalanine 234 with leucine.
Molecular consequence: missense variant. On other transcripts: non-coding transcript variant (1).
Genome position (GRCh38, 1-based): chr4:1,801,704, T>C. VCF-style: chr4-1801704-T-C. GRCh37 (hg19) VCF-style: chr4-1803431-T-C.
Other names: c.700T>C, p.Phe234Leu (NM_001163213.2, NM_001354809.2, NM_001354810.2 and 1 more transcripts); short protein forms F234L.
Identifiers: ClinVar variation 2819485 (VCV002819485.4), dbSNP rs773302522, ClinGen allele CA2809925.
Genomic context (GRCh38, chr4:1,801,704, plus strand): 5'-GTCATGGAAAGCGTGGTGCCCTCGGACCGCGGCAACTACACCTGCGTCGTGGAGAACAAG[T>C]TTGGCAGCATCCGGCAGACGTACACGCTGGACGTGCTGGGTGAGGGCCCTGGGGCGGCGC-3'
Protein context (NP_000133.1, residues 224-244): GNYTCVVENK[Phe234Leu]GSIRQTYTLD